The following is an entry in ClinVar:

NM_003477.3(PDHX):c.1089T>G (p.Ile363Met)

Gene: PDHX (pyruvate dehydrogenase complex component X; plus strand). Cytogenetic location: 11p13.
Variant type: single nucleotide variant.
Coding change: c.1089T>G on transcript NM_003477.3 (MANE Select); coding-DNA position 1089, T replaced by G.
Protein change: p.Ile363Met; replaces isoleucine 363 with methionine.
Molecular consequence: missense variant.
Genome position (GRCh38, 1-based): chr11:34,984,635, T>G. VCF-style: chr11-34984635-T-G. GRCh37 (hg19) VCF-style: chr11-35006182-T-G.
Other names: c.909T>G, p.Ile303Met (NM_001135024.2); c.408T>G, p.Ile136Met (NM_001166158.2); short protein forms I303M, I363M, I136M.
Identifiers: ClinVar variation 2121460 (VCV002121460.4), dbSNP rs2494759822, ClinGen allele CA380124340.

ClinVar aggregate classification (germline): Uncertain significance (1 of 4 stars; one submission).

Submission:

Labcorp Genetics (formerly Invitae), Labcorp
Classification: Uncertain significance. Last evaluated: 2023-12-21. Review status: criteria provided, single submitter. Criteria: Invitae Variant Classification Sherloc (09022015). Collection method: clinical testing. Allele origin: germline.
Comment: This sequence change replaces isoleucine, which is neutral and non-polar, with methionine, which is neutral and non-polar, at codon 363 of the PDHX protein (p.Ile363Met). This variant is not present in population databases (gnomAD no frequency). This variant has not been reported in the literature in individuals affected with PDHX-related conditions. ClinVar contains an entry for this variant (Variation ID: 2121460). Advanced modeling of protein sequence and biophysical properties (such as structural, functional, and spatial information, amino acid conservation, physicochemical variation, residue mobility, and thermodynamic stability) performed at Invitae indicates that this missense variant is not expected to disrupt PDHX protein function with a negative predictive value of 80%. In summary, the available evidence is currently insufficient to determine the role of this variant in disease. Therefore, it has been classified as a Variant of Uncertain Significance.